The following is an entry in ClinVar:

ClinVar aggregate classification (germline): Uncertain significance (1 of 4 stars; one submission).

Submission:

Labcorp Genetics (formerly Invitae), Labcorp
Classification: Uncertain significance. Last evaluated: 2023-04-06. Review status: criteria provided, single submitter. Criteria: Invitae Variant Classification Sherloc (09022015). Collection method: clinical testing. Allele origin: germline.
Comment: This sequence change replaces alanine, which is neutral and non-polar, with threonine, which is neutral and polar, at codon 352 of the IFNAR2 protein (p.Ala352Thr). This variant is not present in population databases (gnomAD no frequency). This variant has not been reported in the literature in individuals affected with IFNAR2-related conditions. Algorithms developed to predict the effect of missense changes on protein structure and function output the following: SIFT: "Not Available"; PolyPhen-2: "Benign"; Align-GVGD: "Not Available". The threonine amino acid residue is found in multiple mammalian species, which suggests that this missense change does not adversely affect protein function. In summary, the available evidence is currently insufficient to determine the role of this variant in disease. Therefore, it has been classified as a Variant of Uncertain Significance.

NM_001289125.3(IFNAR2):c.1054G>A (p.Ala352Thr)

Genes: IFNAR2 (interferon alpha and beta receptor subunit 2; plus strand), IFNAR2-IL10RB (IFNAR2-IL10RB readthrough; plus strand). Cytogenetic location: 21q22.11.
Variant type: single nucleotide variant.
Coding change: c.1054G>A on transcript NM_001289125.3 (MANE Select); coding-DNA position 1054, G replaced by A.
Protein change: p.Ala352Thr; replaces alanine 352 with threonine.
Molecular consequence: missense variant. On other transcripts: 3 prime UTR variant (5), intron variant (1).
Genome position (GRCh38, 1-based): chr21:33,263,006, G>A. VCF-style: chr21-33263006-G-A. GRCh37 (hg19) VCF-style: chr21-34635311-G-A.
Other names: c.*290G>A (NM_000874.5, NM_207584.3); c.*203G>A (NM_001289126.2, NM_001289128.2); c.*429G>A (NM_001385054.1); c.1054G>A, p.Ala352Thr (NM_001385055.1, NM_207585.3); c.710-5388G>A (NM_001414505.1); short protein forms A352T.
Identifiers: ClinVar variation 2874747 (VCV002874747.3), dbSNP rs2516763701, ClinGen allele CA410105007.